The following is an entry in ClinVar:

NM_007186.6(CEP250):c.7144C>T (p.Arg2382Cys)

Gene: CEP250 (centrosomal protein 250; plus strand). Cytogenetic location: 20q11.22.
Variant type: single nucleotide variant.
Coding change: c.7144C>T on transcript NM_007186.6 (MANE Select); coding-DNA position 7144, C replaced by T.
Protein change: p.Arg2382Cys; replaces arginine 2382 with cysteine.
Molecular consequence: missense variant.
Genome position (GRCh38, 1-based): chr20:35,511,441, C>T. VCF-style: chr20-35511441-C-T. GRCh37 (hg19) VCF-style: chr20-34099270-C-T.
Other names: c.5248C>T, p.Arg1750Cys (NM_001318219.1); short protein forms R1750C, R2382C.
Identifiers: ClinVar variation 1387730 (VCV001387730.6), dbSNP rs201496220, ClinGen allele CA9834258.
Genomic context (GRCh38, chr20:35,511,441, plus strand): 5'-CAGCTGACTTTGGAGCGGAAGCAGAAGCAGGACTACATCACCCGCTCAGCACAGACCAGC[C>T]GTGAGCTAGCAGGCCTGCACCACAGCCTCTCACACTCACTTCTTGCCGTGGCCCAGGCCC-3'
Protein context (NP_009117.2, residues 2372-2392): DYITRSAQTS[Arg2382Cys]ELAGLHHSLS

ClinVar aggregate classification (germline): Uncertain significance. Review status: criteria provided, multiple submitters, no conflicts (2 of 4 stars). 2 submissions from 2 submitters: Uncertain significance (2). Last evaluated 2024-05-03.

Allele frequency attached by ClinVar (database versions not stated): gnomAD 0.00001 and 0.00003; gnomAD exomes 0.00002 and 0.00005; TOPMed 0.00003; ExAC 0.00004; 1000 Genomes Project 0.00040; 1000 Genomes Project 30x 0.00062.
gnomAD v4.1: 32 of 1,614,082 alleles (0.002%); highest among the groups gnomAD compares: East Asian, 0.051%; no homozygotes.

Submissions (2):

Blueprint Genetics
Classification: Uncertain significance. Last evaluated: 2024-05-03. Review status: criteria provided, single submitter. Criteria: ACMG Guidelines, 2015. Collection method: clinical testing. Allele origin: germline.

Labcorp Genetics (formerly Invitae), Labcorp
Classification: Uncertain significance. Last evaluated: 2022-07-05. Review status: criteria provided, single submitter. Criteria: Invitae Variant Classification Sherloc (09022015). Collection method: clinical testing. Allele origin: germline.
Comment: This sequence change replaces arginine, which is basic and polar, with cysteine, which is neutral and slightly polar, at codon 2382 of the CEP250 protein (p.Arg2382Cys). This variant is present in population databases (rs201496220, gnomAD 0.05%). This variant has not been reported in the literature in individuals affected with CEP250-related conditions. ClinVar contains an entry for this variant (Variation ID: 1387730). Algorithms developed to predict the effect of missense changes on protein structure and function are either unavailable or do not agree on the potential impact of this missense change (SIFT: "Not Available"; PolyPhen-2: "Probably Damaging"; Align-GVGD: "Not Available"). In summary, the available evidence is currently insufficient to determine the role of this variant in disease. Therefore, it has been classified as a Variant of Uncertain Significance.